The following is an entry in ClinVar:

NM_003737.4(DCHS1):c.4640C>G (p.Ala1547Gly)

Gene: DCHS1 (dachsous cadherin-related 1; minus strand). Cytogenetic location: 11p15.4.
Variant type: single nucleotide variant.
Coding change: c.4640C>G on transcript NM_003737.4 (MANE Select); coding-DNA position 4640, C replaced by G.
Protein change: p.Ala1547Gly; replaces alanine 1547 with glycine.
Molecular consequence: missense variant.
Genome position (GRCh38, 1-based): chr11:6,630,154, G>C on the plus strand (C>G on the coding strand, the complement: DCHS1 is on the minus strand). VCF-style: chr11-6630154-G-C. GRCh37 (hg19) VCF-style: chr11-6651385-G-C.
Other names: c.4640C>G (NM_003737.2); short protein forms A1547G.
Identifiers: ClinVar variation 2984330 (VCV002984330.4), dbSNP rs768297983, ClinGen allele CA5860315.

ClinVar aggregate classification (germline): Uncertain significance. Review status: criteria provided, multiple submitters, no conflicts (2 of 4 stars). 2 submissions from 2 submitters: Uncertain significance (2). Last evaluated 2024-01-04.

Conditions:
Inborn genetic diseases. Identifiers: MedGen C0950123, MeSH D030342.

Allele frequency attached by ClinVar (database versions not stated): gnomAD 0.00001; TOPMed 0.00005; ExAC 0.00006.
gnomAD v4.1: 8 of 1,602,190 alleles (0.0005%); highest among the groups gnomAD compares: Admixed American, 0.014%; no homozygotes.

Submissions (2):

Ambry Genetics
Classification: Uncertain significance for Inborn genetic diseases. Last evaluated: 2024-01-04. Review status: criteria provided, single submitter. Criteria: Ambry Variant Classification Scheme 2023. Collection method: clinical testing. Allele origin: germline.

Labcorp Genetics (formerly Invitae), Labcorp
Classification: Uncertain significance. Last evaluated: 2023-11-18. Review status: criteria provided, single submitter. Criteria: Invitae Variant Classification Sherloc (09022015). Collection method: clinical testing. Allele origin: germline.
Comment: This sequence change replaces alanine, which is neutral and non-polar, with glycine, which is neutral and non-polar, at codon 1547 of the DCHS1 protein (p.Ala1547Gly). This variant is present in population databases (rs768297983, gnomAD 0.02%). This variant has not been reported in the literature in individuals affected with DCHS1-related conditions. Advanced modeling of protein sequence and biophysical properties (such as structural, functional, and spatial information, amino acid conservation, physicochemical variation, residue mobility, and thermodynamic stability) performed at Invitae indicates that this missense variant is not expected to disrupt DCHS1 protein function with a negative predictive value of 80%. In summary, the available evidence is currently insufficient to determine the role of this variant in disease. Therefore, it has been classified as a Variant of Uncertain Significance.